The following is an entry in ClinVar:

NM_001374385.1(ATP8B1):c.2422G>T (p.Glu808Ter)

Genes: ATP8B1 (ATPase phospholipid transporting 8B1; minus strand), ATP8B1-AS1 (ATP8B1 antisense RNA 1; plus strand). Cytogenetic location: 18q21.31.
Variant type: single nucleotide variant.
Coding change: c.2422G>T on transcript NM_001374385.1 (MANE Select); coding-DNA position 2422, G replaced by T.
Protein change: p.Glu808Ter; replaces glutamic acid 808 with a stop codon.
Molecular consequence: nonsense.
Genome position (GRCh38, 1-based): chr18:57,661,459, C>A on the plus strand (G>T on the coding strand, the complement: ATP8B1 is on the minus strand). VCF-style: chr18-57661459-C-A. GRCh37 (hg19) VCF-style: chr18-55328691-C-A.
Other names: c.2272G>T, p.Glu758Ter (NM_001374386.1); c.2422G>T, p.Glu808Ter (NM_005603.6); short protein forms E808*, E758*.
Identifiers: ClinVar variation 2854034 (VCV002854034.3), dbSNP rs2511653938, ClinGen allele CA402552248.
Genomic context (GRCh38, chr18:57,661,459, plus strand): 5'-TTCTTGGGAACTTCAGCTTCAGAATCTTATTTCTCTTGGTCTTTTTCTCGAGAAGAATTT[C>A]ATTCTGTGAAATCAGAGAGGGAAAAGGTTACATTCACTTTAGTTTTACCCCAGGAGTACC-3'

ClinVar aggregate classification (germline): Pathogenic (1 of 4 stars; one submission).

Submission:

Labcorp Genetics (formerly Invitae), Labcorp
Classification: Pathogenic. Last evaluated: 2023-04-09. Review status: criteria provided, single submitter. Criteria: Invitae Variant Classification Sherloc (09022015). Collection method: clinical testing. Allele origin: germline.
Comment: For these reasons, this variant has been classified as Pathogenic. This variant has not been reported in the literature in individuals affected with ATP8B1-related conditions. This variant is not present in population databases (gnomAD no frequency). This sequence change creates a premature translational stop signal (p.Glu808*) in the ATP8B1 gene. It is expected to result in an absent or disrupted protein product. Loss-of-function variants in ATP8B1 are known to be pathogenic (PMID: 15239083, 22525741).

Literature cited by the submitters: PubMed 15239083; PubMed 22525741.